The following is an entry in ClinVar:

ClinVar aggregate classification (germline): Likely benign. Review status: criteria provided, multiple submitters, no conflicts (2 of 4 stars). 2 submissions from 2 submitters: Likely benign (2). Last evaluated 2025-11-12.

Conditions:
Ehlers-Danlos syndrome, classic type, 1 (EDSCL1). Also called: EHLERS-DANLOS SYNDROME, GRAVIS TYPE; EHLERS-DANLOS SYNDROME, SEVERE CLASSIC TYPE; Ehlers-Danlos syndrome, type 1; Ehlers-Danlos Syndrome, Classic Type, COL5A1-Related; EDS I. Identifiers: MedGen C0268335, MONDO:0019567, OMIM 130000.

Allele frequency attached by ClinVar (database versions not stated): gnomAD exomes below 0.00001; gnomAD 0.00001; TOPMed 0.00001.
gnomAD v4.1: 6 of 1,607,042 alleles (0.00037%); highest among the groups gnomAD compares: Non-Finnish European, 0.00043%; no homozygotes.

Submissions (2):

Labcorp Genetics (formerly Invitae), Labcorp
Classification: Likely benign for Ehlers-Danlos syndrome, classic type, 1. Last evaluated: 2025-11-12. Review status: criteria provided, single submitter. Criteria: Invitae Variant Classification Sherloc (09022015). Collection method: clinical testing. Allele origin: germline.

Mayo Clinic Laboratories, Mayo Clinic
Classification: Likely benign. Last evaluated: 2025-03-25. Review status: criteria provided, single submitter. Criteria: ACMG Guidelines, 2015. Collection method: clinical testing. Allele origin: germline. Observed: 1 variant allele.
Comment: BP4, BP7

Literature cited by the submitters: PubMed 30675029 (cited by Mayo Clinic Laboratories, Mayo Clinic).

NM_000393.5(COL5A2):c.2229+10A>G

Gene: COL5A2 (collagen type V alpha 2 chain; minus strand). Cytogenetic location: 2q32.2.
Variant type: single nucleotide variant.
Coding change: c.2229+10A>G on transcript NM_000393.5 (MANE Select); 10 bases into the intron after coding-DNA position 2229, A replaced by G.
Molecular consequence: intron variant.
Genome position (GRCh38, 1-based): chr2:189,058,419, T>C on the plus strand (A>G on the coding strand, the complement: COL5A2 is on the minus strand). VCF-style: chr2-189058419-T-C. GRCh37 (hg19) VCF-style: chr2-189923145-T-C.
Other names: p.?.
Identifiers: ClinVar variation 1139932 (VCV001139932.11), dbSNP rs1269243284, ClinGen allele CA538453250.
Genomic context (GRCh38, chr2:189,058,419, plus strand): 5'-ACACCATCATGCGTTTATTAAGCAGTAATTTTAAAGCATTTTAAAACACTGAGATCACTA[T>C]GACACTTACTTTTGGGCCATCAGGACCATGTCCTCCAGCCATTCCCTTCTCACCAGGGAG-3'